The following is an entry in ClinVar:

NM_024649.5(BBS1):c.*187C>T

Genes: BBS1 (Bardet-Biedl syndrome 1; plus strand), ZDHHC24 (zDHHC palmitoyltransferase 24; minus strand). Cytogenetic location: 11q13.2.
Variant type: single nucleotide variant.
Coding change: c.*187C>T on transcript NM_024649.5 (MANE Select); 187 bases downstream of the stop codon, C replaced by T.
Molecular consequence: 3 prime UTR variant. On other transcripts: intron variant (1).
Genome position (GRCh38, 1-based): chr11:66,532,224, C>T. VCF-style: chr11-66532224-C-T. GRCh37 (hg19) VCF-style: chr11-66299695-C-T.
Other names: c.560-2736G>A (NM_001348571.2).
Identifiers: ClinVar variation 877138 (VCV000877138.6), dbSNP rs148117167, ClinGen allele CA224050854.
Genomic context (GRCh38, chr11:66,532,224, plus strand): 5'-CCCGCTTCCTCACCACCCCCACTGTTGGGCCTATAGTAGCAGGTTAGTGAGTACCTAGGG[C>T]GGCTCAACTCCTCCCACAGCACCAACCCAGCATGGTCCCACTGAAGTCCTACTACGCCCT-3'

ClinVar aggregate classification (germline): Benign (1 of 4 stars; one submission).

Conditions:
Bardet-Biedl syndrome 1 (BBS1). Identifiers: MedGen C2936862, MONDO:0008854, OMIM 209900. Disease mechanism: loss of function.

Allele frequency attached by ClinVar (database versions not stated): gnomAD exomes 0.00064; 1000 Genomes Project 30x 0.00984; gnomAD 0.00568 and 0.00609; 1000 Genomes Project 0.00859; TOPMed 0.00631.
gnomAD v4.1: 1,178 of 629,742 alleles (0.19%); highest among the groups gnomAD compares: African/African-American, 2%; 11 homozygotes.

Submission:

Illumina Laboratory Services, Illumina
Classification: Benign for Bardet-Biedl syndrome 1. Last evaluated: 2018-01-13. Review status: criteria provided, single submitter. Criteria: ICSL Variant Classification Criteria 13 December 2019. Collection method: clinical testing. Allele origin: germline.
Comment: This variant was observed in the ICSL laboratory as part of a predisposition screen in an ostensibly healthy population. It had not been previously curated by ICSL or reported in the Human Gene Mutation Database (HGMD: prior to June 1st, 2018), and was therefore a candidate for classification through an automated scoring system. Utilizing variant allele frequency, disease prevalence and penetrance estimates, and inheritance mode, an automated score was calculated to assess if this variant is too frequent to cause the disease. Based on the score and internal cut-off values, a variant classified as benign is not then subjected to further curation. The score for this variant resulted in a classification of benign for this disease.